The following is an entry in ClinVar:

NM_014467.3(SRPX2):c.1064G>A (p.Arg355Gln)

Gene: SRPX2 (sushi repeat containing protein X-linked 2; plus strand). Cytogenetic location: Xq22.1.
Variant type: single nucleotide variant.
Coding change: c.1064G>A on transcript NM_014467.3 (MANE Select); coding-DNA position 1064, G replaced by A.
Protein change: p.Arg355Gln; replaces arginine 355 with glutamine.
Molecular consequence: missense variant.
Genome position (GRCh38, 1-based): chrX:100,667,376, G>A. VCF-style: chrX-100667376-G-A. GRCh37 (hg19) VCF-style: chrX-99922373-G-A.
Other names: short protein forms R355Q.
Identifiers: ClinVar variation 514545 (VCV000514545.1), dbSNP rs541303724, ClinGen allele CA10469630.

ClinVar aggregate classification (germline): Likely benign (1 of 4 stars; one submission).

Allele frequency attached by ClinVar (database versions not stated): gnomAD exomes 0.00007 and 0.00012; ExAC 0.00016; TOPMed 0.00001; gnomAD 0.00002 and 0.00005; 1000 Genomes Project 30x 0.00021; 1000 Genomes Project 0.00026.
gnomAD v4.1: 82 of 1,209,978 alleles (0.0068%); highest among the groups gnomAD compares: South Asian, 0.1%; no homozygotes.

Submission:

GeneDx
Classification: Likely benign. Last evaluated: 2018-01-15. Review status: criteria provided, single submitter. Criteria: GeneDx Variant Classification (06012015). Collection method: clinical testing. Allele origin: germline. Affected: yes.
Comment: This variant is considered likely benign or benign based on one or more of the following criteria: it is a conservative change, it occurs at a poorly conserved position in the protein, it is predicted to be benign by multiple in silico algorithms, and/or has population frequency not consistent with disease.